The following is an entry in ClinVar:

ClinVar aggregate classification (germline): Uncertain significance (1 of 4 stars; one submission).

Conditions:
Melnick-Needles syndrome (MNS). Also called: MELNICK-NEEDLES OSTEODYSPLASTY; OSTEODYSPLASTY OF MELNICK AND NEEDLES; Melnick-Needles Syndrome (FLNA-MNS). Identifiers: Orphanet 2484, MedGen C0025237, MONDO:0010650, OMIM 309350.
Frontometaphyseal dysplasia (FMD1). Identifiers: Orphanet 1826, MedGen C0265293, MONDO:0015942.
Heterotopia, periventricular, X-linked dominant (PVNH1). Also called: PERIVENTRICULAR NODULAR HETEROTOPIA 1; X-linked periventricular heterotopia; PERIVENTRICULAR NODULAR HETEROTOPIA 4; HETEROTOPIA, PERIVENTRICULAR, 1. Identifiers: Orphanet 2149, Orphanet 82004, MedGen C1848213, MONDO:0010233, OMIM 300049.
Oto-palato-digital syndrome, type II (OPD2). Also called: FACIOPALATOOSSEOUS SYNDROME; OPD II SYNDROME; Otopalatodigital Syndrome, Type II; Otopalatodigital Syndrome Type 2 (FLNA-OPD2). Identifiers: Orphanet 669, Orphanet 90652, MedGen C1844696, MONDO:0010571, OMIM 304120.

Submission:

Labcorp Genetics (formerly Invitae), Labcorp
Classification: Uncertain significance for Oto-palato-digital syndrome, type II; Heterotopia, periventricular, X-linked dominant; Frontometaphyseal dysplasia; Melnick-Needles syndrome. Last evaluated: 2024-11-05. Review status: criteria provided, single submitter. Criteria: Invitae Variant Classification Sherloc (09022015). Collection method: clinical testing. Allele origin: germline.
Comment: This sequence change replaces proline, which is neutral and non-polar, with leucine, which is neutral and non-polar, at codon 1035 of the FLNA protein (p.Pro1035Leu). This variant is present in population databases (rs782601089, gnomAD 0.003%). This variant has not been reported in the literature in individuals affected with FLNA-related conditions. Invitae Evidence Modeling of protein sequence and biophysical properties (such as structural, functional, and spatial information, amino acid conservation, physicochemical variation, residue mobility, and thermodynamic stability) has been performed for this missense variant. However, the output from this modeling did not meet the statistical confidence thresholds required to predict the impact of this variant on FLNA protein function. In summary, the available evidence is currently insufficient to determine the role of this variant in disease. Therefore, it has been classified as a Variant of Uncertain Significance.

NM_001110556.2(FLNA):c.3104C>T (p.Pro1035Leu)

Gene: FLNA (filamin A; minus strand). Cytogenetic location: Xq28.
Variant type: single nucleotide variant.
Coding change: c.3104C>T on transcript NM_001110556.2 (MANE Select); coding-DNA position 3104, C replaced by T.
Protein change: p.Pro1035Leu; replaces proline 1035 with leucine.
Molecular consequence: missense variant.
Genome position (GRCh38, 1-based): chrX:154,361,411, G>A on the plus strand (C>T on the coding strand, the complement: FLNA is on the minus strand). VCF-style: chrX-154361411-G-A. GRCh37 (hg19) VCF-style: chrX-153589779-G-A.
Other names: c.3104C>T, p.Pro1035Leu (NM_001456.4); short protein forms P1035L.
Identifiers: ClinVar variation 3753999 (VCV003753999.2).